The following is an entry in ClinVar:

ClinVar aggregate classification (germline): Uncertain significance. Review status: criteria provided, multiple submitters, no conflicts (2 of 4 stars). 3 submissions from 3 submitters: Uncertain significance (3). Last evaluated 2022-03-02.

Conditions:
Asphyxiating thoracic dystrophy 5 (SRTD5). Also called: SHORT-RIB THORACIC DYSPLASIA 5 WITH OR WITHOUT POLYDACTYLY; SHORT-RIB THORACIC DYSPLASIA 5 WITHOUT POLYDACTYLY. Identifiers: Orphanet 474, MedGen C3280598, MONDO:0013717, OMIM 614376.
Senior-Loken syndrome 8 (SLSN8). Identifiers: Orphanet 3156, MedGen C4225376, MONDO:0014579, OMIM 616307.
Cranioectodermal dysplasia 4 (CED4). Identifiers: Orphanet 1515, MedGen C3280616, MONDO:0013719, OMIM 614378.
Nephronophthisis 13 (NPHP13). Identifiers: Orphanet 655, MedGen C3280612, MONDO:0013718, OMIM 614377.
Spermatogenic failure 72 (SPGF72). Identifiers: MedGen C5676980, MONDO:0030809, OMIM 619867.
Inborn genetic diseases. Identifiers: MedGen C0950123, MeSH D030342.

Allele frequency attached by ClinVar (database versions not stated): TOPMed 0.00003; gnomAD exomes below 0.00001; gnomAD 0.00002.
gnomAD v4.1: 6 of 1,482,980 alleles (0.0004%); highest among the groups gnomAD compares: African/African-American, 0.0073%; no homozygotes.

Submissions (3):

Fulgent Genetics
Classification: Uncertain significance for Asphyxiating thoracic dystrophy 5; Nephronophthisis 13; Cranioectodermal dysplasia 4; Senior-Loken syndrome 8; Spermatogenic failure 72. Last evaluated: 2022-03-02. Review status: criteria provided, single submitter. Criteria: ACMG Guidelines, 2015. Collection method: clinical testing. Allele origin: unknown.

Ambry Genetics
Classification: Uncertain significance for Inborn genetic diseases. Last evaluated: 2021-07-20. Review status: criteria provided, single submitter. Criteria: Ambry Variant Classification Scheme 2023. Collection method: clinical testing. Allele origin: germline.

Labcorp Genetics (formerly Invitae), Labcorp
Classification: Uncertain significance for Senior-Loken syndrome 8; Asphyxiating thoracic dystrophy 5. Last evaluated: 2020-12-17. Review status: criteria provided, single submitter. Criteria: Invitae Variant Classification Sherloc (09022015). Collection method: clinical testing. Allele origin: germline.
Comment: In summary, the available evidence is currently insufficient to determine the role of this variant in disease. Therefore, it has been classified as a Variant of Uncertain Significance. Algorithms developed to predict the effect of missense changes on protein structure and function output the following: SIFT: "Tolerated"; PolyPhen-2: "Benign"; Align-GVGD: "Class C0". The isoleucine amino acid residue is found in multiple mammalian species, suggesting that this missense change does not adversely affect protein function. These predictions have not been confirmed by published functional studies and their clinical significance is uncertain. This variant has not been reported in the literature in individuals with WDR19-related conditions. This variant is not present in population databases (ExAC no frequency). This sequence change replaces valine with isoleucine at codon 496 of the WDR19 protein (p.Val496Ile). The valine residue is weakly conserved and there is a small physicochemical difference between valine and isoleucine.

NM_025132.4(WDR19):c.1486G>A (p.Val496Ile)

Gene: WDR19 (WD repeat domain 19; plus strand). Cytogenetic location: 4p14.
Variant type: single nucleotide variant.
Coding change: c.1486G>A on transcript NM_025132.4 (MANE Select); coding-DNA position 1486, G replaced by A.
Protein change: p.Val496Ile; replaces valine 496 with isoleucine.
Molecular consequence: missense variant.
Genome position (GRCh38, 1-based): chr4:39,224,890, G>A. VCF-style: chr4-39224890-G-A. GRCh37 (hg19) VCF-style: chr4-39226510-G-A.
Other names: c.1006G>A, p.Val336Ile (NM_001317924.2); c.1486G>A (NM_025132.3); short protein forms V336I, V496I.
Identifiers: ClinVar variation 1428900 (VCV001428900.8), dbSNP rs1482640692, ClinGen allele CA356631911.
Genomic context (GRCh38, chr4:39,224,890, plus strand): 5'-GATTTCCTTGACTACCTTTTATATTTTCATGGCTGGATTTTTTTTTTTTTTTAGACTGGT[G>A]TCGTTCAGTATTTCTACATTGAAGACTGGCAATTCGTTAATGATTATCGACATCCTGTCA-3'
Protein context (NP_079408.3, residues 486-506): DFLIYGTDTG[Val496Ile]VQYFYIEDWQ